The following is an entry in ClinVar:

NM_032638.5(GATA2):c.1361C>A (p.Pro454His)

Gene: GATA2 (GATA binding protein 2; minus strand). Cytogenetic location: 3q21.3.
Variant type: single nucleotide variant.
Coding change: c.1361C>A on transcript NM_032638.5 (MANE Select); coding-DNA position 1361, C replaced by A.
Protein change: p.Pro454His; replaces proline 454 with histidine.
Molecular consequence: missense variant.
Genome position (GRCh38, 1-based): chr3:128,481,101, G>T on the plus strand (C>A on the coding strand, the complement: GATA2 is on the minus strand). VCF-style: chr3-128481101-G-T. GRCh37 (hg19) VCF-style: chr3-128199944-G-T.
Other names: c.1361C>A, p.Pro454His (NM_001145661.2); c.1319C>A, p.Pro440His (NM_001145662.1); short protein forms P440H, P454H.
Identifiers: ClinVar variation 1045988 (VCV001045988.8), dbSNP rs2068621583, ClinGen allele CA354412632.

ClinVar aggregate classification (germline): Uncertain significance (1 of 4 stars; one submission).

Conditions:
Deafness-lymphedema-leukemia syndrome. Also called: Emberger syndrome; Lymphedema, primary, with myelodysplasia. Identifiers: Orphanet 3226, MedGen C3279664, MONDO:0013540, OMIM 614038.
Monocytopenia with susceptibility to infections. Also called: IMMUNODEFICIENCY 21; GATA2 DEFICIENCY; MONOCYTOPENIA AND MYCOBACTERIAL INFECTION SYNDROME; MONOCYTOPENIA WITH SUSCEPTIBILITY TO MYCOBACTERIAL, FUNGAL, AND PAPILLOMAVIRUS INFECTIONS AND MYELODYSPLASIA; COMBINED IMMUNODEFICIENCY WITH SUSCEPTIBILITY TO MYCOBACTERIAL, VIRAL, AND FUNGAL INFECTIONS; Dendritic cell, monocyte, B lymphocyte, and natural killer lymphocyte deficiency. Identifiers: Orphanet 228423, MedGen C3280030, MONDO:0013607, OMIM 614172.

Submission:

Labcorp Genetics (formerly Invitae), Labcorp
Classification: Uncertain significance for Monocytopenia with susceptibility to infections; Deafness-lymphedema-leukemia syndrome. Last evaluated: 2020-10-28. Review status: criteria provided, single submitter. Criteria: Invitae Variant Classification Sherloc (09022015). Collection method: clinical testing. Allele origin: germline.
Comment: In summary, the available evidence is currently insufficient to determine the role of this variant in disease. Therefore, it has been classified as a Variant of Uncertain Significance. Algorithms developed to predict the effect of missense changes on protein structure and function are either unavailable or do not agree on the potential impact of this missense change (SIFT: "Tolerated"; PolyPhen-2: "Possibly Damaging"; Align-GVGD: "Class C0"). This variant has not been reported in the literature in individuals with GATA2-related conditions. This variant is not present in population databases (ExAC no frequency). This sequence change replaces proline with histidine at codon 454 of the GATA2 protein (p.Pro454His). The proline residue is moderately conserved and there is a moderate physicochemical difference between proline and histidine.